The following is an entry in ClinVar:

NM_058216.3(RAD51C):c.537C>A (p.His179Gln)

Gene: RAD51C (RAD51 paralog C; plus strand). Cytogenetic location: 17q22.
Variant type: single nucleotide variant.
Coding change: c.537C>A on transcript NM_058216.3 (MANE Select); coding-DNA position 537, C replaced by A.
Protein change: p.His179Gln; replaces histidine 179 with glutamine.
Molecular consequence: missense variant.
Genome position (GRCh38, 1-based): chr17:58,696,825, C>A. VCF-style: chr17-58696825-C-A. GRCh37 (hg19) VCF-style: chr17-56774186-C-A.
Other names: c.537C>A (LRG_314t1); short protein forms H179Q.
Identifiers: ClinVar variation 141532 (VCV000141532.27), dbSNP rs372385738, ClinGen allele CA165707.

ClinVar aggregate classification (germline): Conflicting classifications of pathogenicity. Review status: criteria provided, conflicting classifications (1 of 4 stars). 8 submissions from 8 submitters: Uncertain significance (6); Likely benign (1). 1 of the submissions does not count toward it. Last evaluated 2026-01-22.

Conditions:
Breast-ovarian cancer, familial, susceptibility to, 3. Also called: RAD51C-Related Breast/Ovarian Cancer. Identifiers: Orphanet 145, MedGen C3150659, MONDO:0013253, OMIM 613399.
Fanconi anemia complementation group O. Also called: RAD51C-Related Fanconi Anemia. Identifiers: Orphanet 84, MedGen C3150653, MONDO:0013248, OMIM 613390.
Hereditary cancer-predisposing syndrome. Also called: Neoplastic Syndromes, Hereditary; Hereditary Cancer Syndrome; Hereditary neoplastic syndrome; Tumor predisposition. Identifiers: Orphanet 140162, MedGen C0027672, MeSH D009386, MONDO:0015356.

Allele frequency attached by ClinVar (database versions not stated): gnomAD exomes 0.00002.
gnomAD v4.1: 7 of 1,614,134 alleles (0.00043%); highest among the groups gnomAD compares: Admixed American, 0.012%; no homozygotes.

Submissions (8):

Women's Health and Genetics/Laboratory Corporation of America, LabCorp
Classification: Uncertain significance. Last evaluated: 2026-01-22. Review status: criteria provided, single submitter. Criteria: LabCorp Variant Classification Summary - May 2015. Collection method: clinical testing. Allele origin: germline.
Comment: Variant summary: RAD51C c.537C>A (p.His179Gln) results in a non-conservative amino acid change in the encoded protein sequence. Algorithms developed to predict the effect of missense changes on protein structure and function are either unavailable or do not agree on the potential impact of this missense change. The variant allele was found at a frequency of 2e-05 in 251476 control chromosomes. The available data on variant occurrences in the general population are insufficient to allow any conclusion about variant significance. To our knowledge, no occurrence of c.537C>A in individuals affected with RAD51C-related conditions and no experimental evidence demonstrating its impact on protein function have been reported. ClinVar contains an entry for this variant (Variation ID: 141532). Based on the evidence outlined above, the variant was classified as uncertain significance.

Labcorp Genetics (formerly Invitae), Labcorp
Classification: Uncertain significance for Fanconi anemia complementation group O. Last evaluated: 2025-10-20. Review status: criteria provided, single submitter. Criteria: Invitae Variant Classification Sherloc (09022015). Collection method: clinical testing. Allele origin: germline.
Comment: This sequence change replaces histidine, which is basic and polar, with glutamine, which is neutral and polar, at codon 179 of the RAD51C protein (p.His179Gln). This variant is present in population databases (rs372385738, gnomAD 0.01%). This variant has not been reported in the literature in individuals affected with RAD51C-related conditions. ClinVar contains an entry for this variant (Variation ID: 141532). An algorithm developed to predict the effect of missense changes on protein structure and function (PolyPhen-2) suggests that this variant is likely to be disruptive. In summary, the available evidence is currently insufficient to determine the role of this variant in disease. Therefore, it has been classified as a Variant of Uncertain Significance.

Ambry Genetics
Classification: Likely benign for Hereditary cancer-predisposing syndrome. Last evaluated: 2025-03-21. Review status: criteria provided, single submitter. Criteria: Ambry Variant Classification Scheme 2023. Collection method: clinical testing. Allele origin: germline.

Color Diagnostics, LLC DBA Color Health
Classification: Uncertain significance for Hereditary cancer-predisposing syndrome. Last evaluated: 2024-05-23. Review status: criteria provided, single submitter. Criteria: ACMG Guidelines, 2015. Collection method: clinical testing. Allele origin: germline.
Comment: This missense variant replaces histidine with glutamine at codon 179 of the RAD51C protein. Computational prediction tools and conservation analyses are inconclusive regarding the impact of this variant on the protein function. To our knowledge, functional assays have not been performed for this variant nor has this variant been reported in individuals affected with hereditary cancer in the literature. This variant has been identified in 5/251476 chromosomes in the general population by the Genome Aggregation Database (gnomAD). Available evidence is insufficient to determine the role of this variant in disease conclusively. Therefore, this variant is classified as a Variant of Uncertain Significance.

Baylor Genetics
Classification: Uncertain significance for Breast-ovarian cancer, familial, susceptibility to, 3. Last evaluated: 2024-03-26. Review status: criteria provided, single submitter. Criteria: ACMG Guidelines, 2015. Collection method: clinical testing. Allele origin: unknown.

GeneDx
Classification: Uncertain significance. Last evaluated: 2023-11-06. Review status: criteria provided, single submitter. Criteria: GeneDx Variant Classification Process June 2021. Collection method: clinical testing. Allele origin: germline. Affected: yes.
Comment: Not observed at significant frequency in large population cohorts (gnomAD); In silico analysis supports that this missense variant has a deleterious effect on protein structure/function; Has not been previously published as pathogenic or benign to our knowledge; This variant is associated with the following publications: (PMID: 14704354)

Myriad Genetics, Inc.
Classification: Uncertain significance for Breast-ovarian cancer, familial, susceptibility to, 3. Last evaluated: 2023-04-05. Review status: criteria provided, single submitter. Criteria: Myriad Autosomal Dominant, Autosomal Recessive and X-Linked Classification Criteria (2023). Collection method: clinical testing. Allele origin: unknown.
Comment: This variant is classified as a variant of uncertain significance as there is insufficient evidence to determine its impact on protein function and/or cancer risk.

Counsyl
Classification: Uncertain significance for Fanconi anemia complementation group O; Breast-ovarian cancer, familial, susceptibility to, 3. Last evaluated: 2017-07-21. Review status: no assertion criteria provided. Collection method: clinical testing. Allele origin: unknown. Not counted in ClinVar's aggregate classification.

Literature cited by the submitters: PubMed 37253112 (cited by Ambry Genetics).